The following is an entry in ClinVar:

ClinVar aggregate classification (germline): Likely pathogenic. Review status: criteria provided, multiple submitters, no conflicts (2 of 4 stars). 4 submissions from 4 submitters: Likely pathogenic (2). 2 of the submissions do not count toward it. Last evaluated 2025-06-13.

Conditions:
Connective tissue disorder. Also called: Connective tissue disease. Identifiers: MedGen C0009782, MONDO:0003900.
Larsen syndrome (LRS). Also called: Bilateral dislocation of the knees, pes cavus, cylindrically shaped fingers and characteristic facies; Larsen syndrome (FLNB-LS). Identifiers: Orphanet 503, MedGen C0175778, MONDO:0007875, OMIM 150250. Disease mechanism: loss of function.

Submissions (4):

Labcorp Genetics (formerly Invitae), Labcorp
Classification: Likely pathogenic. Last evaluated: 2025-06-13. Review status: criteria provided, single submitter. Criteria: Invitae Variant Classification Sherloc (09022015). Collection method: clinical testing. Allele origin: germline.
Comment: This sequence change replaces phenylalanine, which is neutral and non-polar, with cysteine, which is neutral and slightly polar, at codon 161 of the FLNB protein (p.Phe161Cys). This variant is not present in population databases (gnomAD no frequency). This missense change has been observed in individual(s) with Larsen syndrome (PMID: 14991055). In at least one individual the variant was observed to be de novo. ClinVar contains an entry for this variant (Variation ID: 6398). Invitae Evidence Modeling of protein sequence and biophysical properties (such as structural, functional, and spatial information, amino acid conservation, physicochemical variation, residue mobility, and thermodynamic stability) has been performed for this missense variant. However, the output from this modeling did not meet the statistical confidence thresholds required to predict the impact of this variant on FLNB protein function. Experimental studies have shown that this missense change affects FLNB function (PMID: 22190451). In summary, the currently available evidence indicates that the variant is pathogenic, but additional data are needed to prove that conclusively. Therefore, this variant has been classified as Likely Pathogenic.

Genome Diagnostics Laboratory, The Hospital for Sick Children
Classification: Likely pathogenic for Connective tissue disorder. Last evaluated: 2021-01-14. Review status: criteria provided, single submitter. Criteria: ACMG Guidelines, 2015. Collection method: clinical testing. Allele origin: germline.

OMIM
Classification: Pathogenic for LARSEN SYNDROME. Last evaluated: 2004-04-01. Review status: no assertion criteria provided. Collection method: literature only. Allele origin: germline. Not counted in ClinVar's aggregate classification.

GeneReviews
No classification provided. Condition: Larsen syndrome. Review status: no classification provided. Collection method: literature only. Allele origin: unknown. Not counted in ClinVar's aggregate classification.

Literature cited by the submitters: PubMed 14991055 (cited by 3 submitters); PubMed 22190451 (cited by Labcorp Genetics (formerly Invitae), Labcorp); PubMed 20301736 (cited by GeneReviews); NCBI Bookshelf NBK2534 (cited by GeneReviews).

NM_001457.4(FLNB):c.482T>G (p.Phe161Cys)

Gene: FLNB (filamin B; plus strand). Cytogenetic location: 3p14.3.
Variant type: single nucleotide variant.
Coding change: c.482T>G on transcript NM_001457.4 (MANE Select); coding-DNA position 482, T replaced by G.
Protein change: p.Phe161Cys; replaces phenylalanine 161 with cysteine.
Molecular consequence: missense variant.
Genome position (GRCh38, 1-based): chr3:58,077,235, T>G. VCF-style: chr3-58077235-T-G. GRCh37 (hg19) VCF-style: chr3-58062962-T-G.
Other names: c.482T>G, p.Phe161Cys (NM_001164317.2, NM_001164318.2, NM_001164319.2); short protein forms F161C.
Identifiers: ClinVar variation 6398 (VCV000006398.8), dbSNP rs80356506, ClinGen allele CA130016.
Genomic context (GRCh38, chr3:58,077,235, plus strand): 5'-CAAAGCAGAGGCTGCTGGGGTGGATTCAGAACAAGATCCCCTACTTGCCCATCACCAACT[T>G]TAACCAGAACTGGCAAGACGGCAAAGCCCTGGGAGCCCTGGTAGACAGCTGTGCTCCAGG-3'
Protein context (NP_001448.2, residues 151-171): NKIPYLPITN[Phe161Cys]NQNWQDGKAL